The following is an entry in ClinVar:

NM_003590.5(CUL3):c.899A>G (p.Tyr300Cys)

Gene: CUL3 (cullin 3; minus strand). Cytogenetic location: 2q36.2.
Variant type: single nucleotide variant.
Coding change: c.899A>G on transcript NM_003590.5 (MANE Select); coding-DNA position 899, A replaced by G.
Protein change: p.Tyr300Cys; replaces tyrosine 300 with cysteine.
Molecular consequence: missense variant.
Genome position (GRCh38, 1-based): chr2:224,506,988, T>C on the plus strand (A>G on the coding strand, the complement: CUL3 is on the minus strand). VCF-style: chr2-224506988-T-C. GRCh37 (hg19) VCF-style: chr2-225371705-T-C.
Other names: c.701A>G, p.Tyr234Cys (NM_001257197.2); c.917A>G, p.Tyr306Cys (NM_001257198.2); short protein forms Y234C, Y300C, Y306C.
Identifiers: ClinVar variation 3895609 (VCV003895609.2).

ClinVar aggregate classification (germline): Uncertain significance. Review status: criteria provided, multiple submitters, no conflicts (2 of 4 stars). 2 submissions from 2 submitters: Uncertain significance (2). Last evaluated 2025-03-17.

Submissions (2):

Women's Health and Genetics/Laboratory Corporation of America, LabCorp
Classification: Uncertain significance. Last evaluated: 2025-03-17. Review status: criteria provided, single submitter. Criteria: LabCorp Variant Classification Summary - May 2015. Collection method: clinical testing. Allele origin: germline.
Comment: Variant summary: CUL3 c.899A>G (p.Tyr300Cys) results in a non-conservative amino acid change in the encoded protein sequence. Five of five in-silico tools predict a damaging effect of the variant on protein function. The variant was absent in 247394 control chromosomes. The available data on variant occurrences in the general population are insufficient to allow any conclusion about variant significance. To our knowledge, no occurrence of c.899A>G in individuals affected with CUL3-Related Disorders and no experimental evidence demonstrating its impact on protein function have been reported. No submitters have cited clinical-significance assessments for this variant to ClinVar. Based on the evidence outlined above, the variant was classified as uncertain significance.

Labcorp Genetics (formerly Invitae), Labcorp
Classification: Uncertain significance. Last evaluated: 2025-02-12. Review status: criteria provided, single submitter. Criteria: Invitae Variant Classification Sherloc (09022015). Collection method: clinical testing. Allele origin: germline.
Comment: This sequence change replaces tyrosine, which is neutral and polar, with cysteine, which is neutral and slightly polar, at codon 300 of the CUL3 protein (p.Tyr300Cys). This variant is not present in population databases (gnomAD no frequency). This variant has not been reported in the literature in individuals affected with CUL3-related conditions. Invitae Evidence Modeling of protein sequence and biophysical properties (such as structural, functional, and spatial information, amino acid conservation, physicochemical variation, residue mobility, and thermodynamic stability) indicates that this missense variant is expected to disrupt CUL3 protein function with a positive predictive value of 95%. In summary, the available evidence is currently insufficient to determine the role of this variant in disease. Therefore, it has been classified as a Variant of Uncertain Significance.